The following is an entry in ClinVar:

ClinVar aggregate classification (germline): Uncertain significance (1 of 4 stars; one submission).

Conditions:
Long QT syndrome (LQTS). Identifiers: MedGen C0023976, MeSH D008133, MONDO:0002442. Disease mechanism: loss of function. Inheritance: Various modes of inheritance.

Allele frequency attached by ClinVar (database versions not stated): gnomAD exomes below 0.00001.
gnomAD v4.1: 1 of 1,585,468 alleles (0.000063%); highest among the groups gnomAD compares: Non-Finnish European, 0.000086%; no homozygotes.

Submission:

Labcorp Genetics (formerly Invitae), Labcorp
Classification: Uncertain significance for Long QT syndrome. Last evaluated: 2022-03-14. Review status: criteria provided, single submitter. Criteria: Invitae Variant Classification Sherloc (09022015). Collection method: clinical testing. Allele origin: germline.
Comment: In summary, the available evidence is currently insufficient to determine the role of this variant in disease. Therefore, it has been classified as a Variant of Uncertain Significance. This sequence change replaces serine, which is neutral and polar, with leucine, which is neutral and non-polar, at codon 108 of the AKAP9 protein (p.Ser108Leu). This variant is not present in population databases (gnomAD no frequency). This variant has not been reported in the literature in individuals affected with AKAP9-related conditions. Algorithms developed to predict the effect of missense changes on protein structure and function are either unavailable or do not agree on the potential impact of this missense change (SIFT: "Deleterious"; PolyPhen-2: "Probably Damaging"; Align-GVGD: "Class C0").

NM_005751.5(AKAP9):c.323C>T (p.Ser108Leu)

Gene: AKAP9 (A-kinase anchoring protein 9; plus strand). Cytogenetic location: 7q21.2.
Variant type: single nucleotide variant.
Coding change: c.323C>T on transcript NM_005751.5 (MANE Select); coding-DNA position 323, C replaced by T.
Protein change: p.Ser108Leu; replaces serine 108 with leucine.
Molecular consequence: missense variant.
Genome position (GRCh38, 1-based): chr7:91,980,305, C>T. VCF-style: chr7-91980305-C-T. GRCh37 (hg19) VCF-style: chr7-91609619-C-T.
Other names: c.323C>T, p.Ser108Leu (NM_147185.3); short protein forms S108L.
Identifiers: ClinVar variation 2200117 (VCV002200117.4), dbSNP rs2484622657, ClinGen allele CA368118971.
Genomic context (GRCh38, chr7:91,980,305, plus strand): 5'-CACAAAAAAGTCATAATTATATTTGGTTTTTATTTTTGTTTTAGCTGGAAAGTGAAATTT[C>T]AACCACAGCAGATGACTGCAGTTCAGAGGTAAGACTAAATTATATTGATTTCTAATATCA-3'
Protein context (NP_005742.4, residues 98-118): GFSVELESEI[Ser108Leu]TTADDCSSEV